The following is an entry in ClinVar:

NM_001034853.2(RPGR):c.206dup (p.Leu69fs)

Gene: RPGR (retinitis pigmentosa GTPase regulator; minus strand). Cytogenetic location: Xp11.4.
Variant type: Duplication.
Coding change: c.206dup on transcript NM_001034853.2 (MANE Select); coding-DNA position 206, one base duplicated (T; older notation c.206dupT).
Protein change: p.Leu69fs; shifts the reading frame from leucine 69.
Molecular consequence: frameshift variant. On other transcripts: non-coding transcript variant (6).
Genome position (GRCh38, 1-based): chrX:38,322,894, A duplicated on the plus strand (T on the coding strand, the reverse complement: RPGR is on the minus strand); the first of 2 consecutive A bases (chrX:38,322,894-38,322,895); duplicating either gives the same sequence. VCF-style (leftmost placement, unchanged base first): chrX-38322893-T-TA. GRCh37 (hg19) VCF-style: chrX-38182146-T-TA.
Other names: c.206dup, p.Leu69fs (NM_000328.3, NM_001367245.1, NM_001367246.1 and 4 more transcripts); c.236dup, p.Leu79fs (NM_001367248.1); short protein forms L69fs, L79fs.
Identifiers: ClinVar variation 3767368 (VCV003767368.1).

ClinVar aggregate classification (germline): Likely pathogenic (1 of 4 stars; one submission).

Conditions:
Retinitis pigmentosa 3. Also called: CHOROIDORETINAL DEGENERATION WITH RETINAL REFLEX IN HETEROZYGOUS WOMEN. Identifiers: Orphanet 791, MedGen C1845667, MONDO:0010227, OMIM 300029.

Submission:

SingHealth Duke-NUS Institute of Precision Medicine
Classification: Likely pathogenic for Retinitis pigmentosa 3. Last evaluated: 2025-02-05. Review status: criteria provided, single submitter. Criteria: PRISM ACMG Classification Criteria. Collection method: clinical testing. Allele origin: germline. Affected: yes.
Comment: Null variant is predicted to cause nonsense-mediated decay in a gene known to have LOF as cause of pathogenicity (PVS1). Variant is not found in gnomAD exomes and genomes (PM2(